The following is an entry in ClinVar:

NM_003289.4(TPM2):c.773-10_773-9insG

Gene: TPM2 (tropomyosin 2; minus strand). Cytogenetic location: 9p13.3.
Variant type: Insertion.
Coding change: c.773-10_773-9insG on transcript NM_003289.4 (MANE Select); 10 bases into the intron before coding-DNA position 773 through 9 bases into the intron before coding-DNA position 773, G inserted.
Molecular consequence: intron variant.
Genome position: GRCh38 VCF-style: chr9-35683250-G-GC. GRCh37 (hg19) VCF-style: chr9-35683247-G-GC.
Other names: c.773-10_773-9insG (NM_003289.3, NM_001301227.2); c.772+995_772+996insG (NM_213674.1, NM_001301226.2).
Identifiers: ClinVar variation 1607199 (VCV001607199.9), dbSNP rs780351083, ClinGen allele CA5047152.

ClinVar aggregate classification (germline): Likely benign. Review status: criteria provided, multiple submitters, no conflicts (2 of 4 stars). 2 submissions from 2 submitters: Likely benign (2). Last evaluated 2025-08-19.

Conditions:
TPM2-related disorder. Also called: TPM2-related disorders; TPM2-related condition.
Arthrogryposis, distal, type 1A. Also called: ARTHROGRYPOSIS MULTIPLEX CONGENITA, DISTAL, TYPE I. Identifiers: Orphanet 1146, MedGen C6022280, MONDO:0007157, OMIM 108120.

Allele frequency attached by ClinVar (database versions not stated): gnomAD 0.00004 and 0.00005; TOPMed 0.00004.

Submissions (2):

PreventionGenetics, part of Exact Sciences
Classification: Likely benign for TPM2-related condition. Last evaluated: 2025-08-19. Review status: criteria provided, single submitter. Criteria: ACMG Guidelines, 2015. Collection method: clinical testing. Allele origin: germline.
Comment: This variant is classified as likely benign based on ACMG/AMP sequence variant interpretation guidelines (Richards et al. 2015 PMID: 25741868, with internal and published modifications).

Labcorp Genetics (formerly Invitae), Labcorp
Classification: Likely benign for Digitotalar dysmorphism. Last evaluated: 2024-06-01. Review status: criteria provided, single submitter. Criteria: Invitae Variant Classification Sherloc (09022015). Collection method: clinical testing. Allele origin: germline.